The following is an entry in ClinVar:

NM_001130144.3(LTBP3):c.3247G>T (p.Val1083Leu)

Genes: LTBP3 (latent transforming growth factor beta binding protein 3; minus strand), LOC121832793 (Sharpr-MPRA regulatory region 4001; plus strand). Cytogenetic location: 11q13.1.
Variant type: single nucleotide variant.
Coding change: c.3247G>T on transcript NM_001130144.3 (MANE Select); coding-DNA position 3247, G replaced by T.
Protein change: p.Val1083Leu; replaces valine 1083 with leucine.
Molecular consequence: missense variant. On other transcripts: intron variant (2).
Genome position (GRCh38, 1-based): chr11:65,540,151, C>A on the plus strand (G>T on the coding strand, the complement: LTBP3 is on the minus strand). VCF-style: chr11-65540151-C-A. GRCh37 (hg19) VCF-style: chr11-65307622-C-A.
Other names: p.Val1083Leu; c.3247G>T (NM_001130144.2); c.2893+94G>T (NM_001164266.1); c.3244+94G>T (NM_021070.4); short protein forms V1083L.
Identifiers: ClinVar variation 2721029 (VCV002721029.6), dbSNP rs547719458, ClinGen allele CA224009143.

ClinVar aggregate classification (germline): Uncertain significance. Review status: criteria provided, multiple submitters, no conflicts (2 of 4 stars). 4 submissions from 4 submitters: Uncertain significance (3). 1 of the submissions does not count toward it. Last evaluated 2025-10-29.

Conditions:
Inborn genetic diseases. Identifiers: MedGen C0950123, MeSH D030342.
LTBP3-related disorder. Also called: LTBP3-related condition.
Brachyolmia-amelogenesis imperfecta syndrome. Also called: PLATYSPONDYLY WITH AMELOGENESIS IMPERFECTA; Tooth agenesis, selective, 6; Dental anomalies and short stature. Identifiers: Orphanet 2899, MedGen C1832594, MONDO:0011018, OMIM 601216. Disease mechanism: loss of function.

Allele frequency attached by ClinVar (database versions not stated): 1000 Genomes Project 30x 0.00016; 1000 Genomes Project 0.00020; gnomAD exomes 0.00007; gnomAD 0.00003.
gnomAD v4.1: 90 of 1,532,462 alleles (0.0059%); highest among the groups gnomAD compares: Non-Finnish European, 0.0076%; no homozygotes.

Submissions (4):

Labcorp Genetics (formerly Invitae), Labcorp
Classification: Uncertain significance for Brachyolmia-amelogenesis imperfecta syndrome. Last evaluated: 2025-10-29. Review status: criteria provided, single submitter. Criteria: Invitae Variant Classification Sherloc (09022015). Collection method: clinical testing. Allele origin: germline.
Comment: This sequence change replaces valine, which is neutral and non-polar, with leucine, which is neutral and non-polar, at codon 1083 of the LTBP3 protein (p.Val1083Leu). The frequency data for this variant in the population databases is considered unreliable, as metrics indicate poor data quality at this position in the gnomAD database. This variant has not been reported in the literature in individuals affected with LTBP3-related conditions. ClinVar contains an entry for this variant (Variation ID: 2721029). An algorithm developed to predict the effect of missense changes on protein structure and function (PolyPhen-2) suggests that this variant is likely to be tolerated. In summary, the available evidence is currently insufficient to determine the role of this variant in disease. Therefore, it has been classified as a Variant of Uncertain Significance.

Mayo Clinic Laboratories, Mayo Clinic
Classification: Uncertain significance. Last evaluated: 2025-03-06. Review status: criteria provided, single submitter. Criteria: ACMG Guidelines, 2015. Collection method: clinical testing. Allele origin: germline. Observed: 1 variant allele.
Comment: BP4_moderate, PM2_supporting

Ambry Genetics
Classification: Uncertain significance for Inborn genetic diseases. Last evaluated: 2024-03-13. Review status: criteria provided, single submitter. Criteria: Ambry Variant Classification Scheme 2023. Collection method: clinical testing. Allele origin: germline.
Comment: The p.V1083L variant (also known as c.3247G>T), located in coding exon 24 of the LTBP3 gene, results from a G to T substitution at nucleotide position 3247. The valine at codon 1083 is replaced by leucine, an amino acid with highly similar properties. This amino acid position is conserved. In addition, this alteration is predicted to be tolerated by in silico analysis. Based on the available evidence, the clinical significance of this alteration remains unclear.

PreventionGenetics, part of Exact Sciences
Classification: Uncertain significance for LTBP3-related condition. Last evaluated: 2024-06-07. Review status: no assertion criteria provided. Collection method: clinical testing. Allele origin: germline. Not counted in ClinVar's aggregate classification.
Comment: The LTBP3 c.3247G>T variant is predicted to result in the amino acid substitution p.Val1083Leu. To our knowledge, this variant has not been reported in the literature. This variant is reported in 0.0068% of alleles in individuals of African descent in gnomAD. At this time, the clinical significance of this variant is uncertain due to the absence of conclusive functional and genetic evidence.